The following is an entry in ClinVar:

ClinVar aggregate classification (germline): Conflicting classifications of pathogenicity. Review status: criteria provided, conflicting classifications (1 of 4 stars). 2 submissions from 2 submitters: Uncertain significance (1); Likely benign (1). Last evaluated 2026-01-30.

Conditions:
Mandibulofacial dysostosis-microcephaly syndrome (MFDGA). Also called: Growth and mental retardation, mandibulofacial dysostosis, microcephaly, and cleft palate; Mandibulofacial dysostosis, Guion-Almeida type. Identifiers: Orphanet 79113, MedGen C1864652, MONDO:0012516, OMIM 610536.

Allele frequency attached by ClinVar (database versions not stated): gnomAD exomes 0.00001; ExAC 0.00002.
gnomAD v4.1: 12 of 1,614,172 alleles (0.00074%); highest among the groups gnomAD compares: South Asian, 0.011%; no homozygotes.

Submissions (2):

Centre for Medical Genetics,  Mumbai
Classification: Likely benign for Mandibulofacial dysostosis-microcephaly syndrome. Last evaluated: 2026-01-30. Review status: criteria provided, single submitter. Criteria: ACMG Guidelines, 2015. Collection method: provider interpretation. Allele origin: germline. Inheritance: Autosomal dominant inheritance. Affected: no. Observed: 1 heterozygote.
Comment: The variant satisfies PM2 criteria; Extremely low frequency in gnomAD population databases. The variant satisfies PP2 criteria; Missense variant in a gene with low rate of benign missense mutations and for which missense mutation is a common mechanism of a disease. However, the variant satisfies BS2 criteria.

Labcorp Genetics (formerly Invitae), Labcorp
Classification: Uncertain significance. Last evaluated: 2025-03-17. Review status: criteria provided, single submitter. Criteria: Invitae Variant Classification Sherloc (09022015). Collection method: clinical testing. Allele origin: germline.
Comment: This sequence change replaces threonine, which is neutral and polar, with isoleucine, which is neutral and non-polar, at codon 390 of the EFTUD2 protein (p.Thr390Ile). This variant is present in population databases (rs762474304, gnomAD 0.02%). This variant has not been reported in the literature in individuals affected with EFTUD2-related conditions. ClinVar contains an entry for this variant (Variation ID: 2792867). Invitae Evidence Modeling of protein sequence and biophysical properties (such as structural, functional, and spatial information, amino acid conservation, physicochemical variation, residue mobility, and thermodynamic stability) indicates that this missense variant is expected to disrupt EFTUD2 protein function with a positive predictive value of 80%. In summary, the available evidence is currently insufficient to determine the role of this variant in disease. Therefore, it has been classified as a Variant of Uncertain Significance.

Literature cited by the submitters: PubMed 22305528 (cited by Centre for Medical Genetics,  Mumbai).

NM_004247.4(EFTUD2):c.1169C>T (p.Thr390Ile)

Gene: EFTUD2 (elongation factor Tu GTP binding domain containing 2; minus strand). Cytogenetic location: 17q21.31.
Variant type: single nucleotide variant.
Coding change: c.1169C>T on transcript NM_004247.4 (MANE Select); coding-DNA position 1169, C replaced by T.
Protein change: p.Thr390Ile; replaces threonine 390 with isoleucine.
Molecular consequence: missense variant.
Genome position (GRCh38, 1-based): chr17:44,865,046, G>A on the plus strand (C>T on the coding strand, the complement: EFTUD2 is on the minus strand). VCF-style: chr17-44865046-G-A. GRCh37 (hg19) VCF-style: chr17-42942414-G-A.
Other names: c.1064C>T, p.Thr355Ile (NM_001142605.2); c.1169C>T, p.Thr390Ile (NM_001258353.2); c.1139C>T, p.Thr380Ile (NM_001258354.2); short protein forms T390I, T355I, T380I.
Identifiers: ClinVar variation 2792867 (VCV002792867.4), dbSNP rs762474304, ClinGen allele CA8607850.